The following is an entry in ClinVar:

NM_006662.3(SRCAP):c.9122G>A (p.Arg3041Gln)

Gene: SRCAP (Snf2 related CREBBP activator protein; plus strand). Cytogenetic location: 16p11.2.
Variant type: single nucleotide variant.
Coding change: c.9122G>A on transcript NM_006662.3 (MANE Select); coding-DNA position 9122, G replaced by A.
Protein change: p.Arg3041Gln; replaces arginine 3041 with glutamine.
Molecular consequence: missense variant.
Genome position (GRCh38, 1-based): chr16:30,739,162, G>A. VCF-style: chr16-30739162-G-A. GRCh37 (hg19) VCF-style: chr16-30750483-G-A.
Other names: short protein forms R3041Q.
Identifiers: ClinVar variation 2184905 (VCV002184905.6), dbSNP rs139814474, ClinGen allele CA8012834.
Genomic context (GRCh38, chr16:30,739,162, plus strand): 5'-AGCTCCCCGTCTTGGACCGTGACAGCACTTCTGTTCTCGAGAGCTGTGGATTGGGGAGGC[G>A]ACGGCAACCCCAGGGCCAAGGGGAGAGTGAGGGTAGTTCCTCTGATGAGGATGGAAGCCG-3'
Protein context (NP_006653.2, residues 3031-3051): SVLESCGLGR[Arg3041Gln]RQPQGQGESE

ClinVar aggregate classification (germline): Conflicting classifications of pathogenicity. Review status: criteria provided, conflicting classifications (1 of 4 stars). 3 submissions from 3 submitters: Uncertain significance (2); Likely benign (1). Last evaluated 2025-11-25.

Conditions:
Developmental delay, hypotonia, musculoskeletal defects, and behavioral abnormalities. Identifiers: MedGen C5562012, MONDO:0859202, OMIM 619595.
Floating-Harbor syndrome (FLHS). Also called: Short stature with delayed bone age, expressive language delay, a triangular face with a prominent nose and deep-set eyes; Pelletier-Leisti syndrome; SRCAP-Related Floating-Harbor Syndrome. Identifiers: Orphanet 2044, MedGen C0729582, MONDO:0007621, OMIM 136140.
Inborn genetic diseases. Identifiers: MedGen C0950123, MeSH D030342.

Allele frequency attached by ClinVar (database versions not stated): gnomAD exomes 0.00006 and 0.00010; ExAC 0.00007; gnomAD 0.00009 and 0.00013; TOPMed 0.00009 and 0.00011; ESP Exome Variant Server 0.00023.
gnomAD v4.1: 153 of 1,613,934 alleles (0.0095%); highest among the groups gnomAD compares: Non-Finnish European, 0.012%; no homozygotes.

Submissions (3):

Labcorp Genetics (formerly Invitae), Labcorp
Classification: Uncertain significance. Last evaluated: 2025-11-25. Review status: criteria provided, single submitter. Criteria: Invitae Variant Classification Sherloc (09022015). Collection method: clinical testing. Allele origin: germline.
Comment: This sequence change replaces arginine, which is basic and polar, with glutamine, which is neutral and polar, at codon 3041 of the SRCAP protein (p.Arg3041Gln). This variant is present in population databases (rs139814474, gnomAD 0.01%). This variant has not been reported in the literature in individuals affected with SRCAP-related conditions. ClinVar contains an entry for this variant (Variation ID: 2184905). Invitae Evidence Modeling of protein sequence and biophysical properties (such as structural, functional, and spatial information, amino acid conservation, physicochemical variation, residue mobility, and thermodynamic stability) indicates that this missense variant is not expected to disrupt SRCAP protein function with a negative predictive value of 80%. In summary, the available evidence is currently insufficient to determine the role of this variant in disease. Therefore, it has been classified as a Variant of Uncertain Significance.

Ambry Genetics
Classification: Likely benign for Inborn genetic diseases. Last evaluated: 2025-01-22. Review status: criteria provided, single submitter. Criteria: Ambry Variant Classification Scheme 2023. Collection method: clinical testing. Allele origin: germline.

Fulgent Genetics
Classification: Uncertain significance for Floating-Harbor syndrome; Developmental delay, hypotonia, musculoskeletal defects, and behavioral abnormalities. Last evaluated: 2024-05-14. Review status: criteria provided, single submitter. Criteria: ACMG Guidelines, 2015. Collection method: clinical testing. Allele origin: germline.